The following is an entry in ClinVar:

NM_015570.4(AUTS2):c.3377A>G (p.His1126Arg)

Gene: AUTS2 (activator of transcription and developmental regulator AUTS2; plus strand). Cytogenetic location: 7q11.22.
Variant type: single nucleotide variant.
Coding change: c.3377A>G on transcript NM_015570.4 (MANE Select); coding-DNA position 3377, A replaced by G.
Protein change: p.His1126Arg; replaces histidine 1126 with arginine.
Molecular consequence: missense variant.
Genome position (GRCh38, 1-based): chr7:70,790,593, A>G. VCF-style: chr7-70790593-A-G. GRCh37 (hg19) VCF-style: chr7-70255579-A-G.
Other names: c.3305A>G, p.His1102Arg (NM_001127231.3); short protein forms H1102R, H1126R.
Identifiers: ClinVar variation 2046711 (VCV002046711.5), dbSNP rs756061374, ClinGen allele CA4281321.

ClinVar aggregate classification (germline): Uncertain significance. Review status: criteria provided, multiple submitters, no conflicts (2 of 4 stars). 2 submissions from 2 submitters: Uncertain significance (2). Last evaluated 2024-05-23.

Allele frequency attached by ClinVar (database versions not stated): gnomAD exomes 0.00001.
gnomAD v4.1: 13 of 1,559,402 alleles (0.00083%); highest among the groups gnomAD compares: Non-Finnish European, 0.00096%; no homozygotes.

Submissions (2):

Labcorp Genetics (formerly Invitae), Labcorp
Classification: Uncertain significance. Last evaluated: 2024-05-23. Review status: criteria provided, single submitter. Criteria: Invitae Variant Classification Sherloc (09022015). Collection method: clinical testing. Allele origin: germline.
Comment: This sequence change replaces histidine, which is basic and polar, with arginine, which is basic and polar, at codon 1126 of the AUTS2 protein (p.His1126Arg). The frequency data for this variant in the population databases is considered unreliable, as metrics indicate poor data quality at this position in the gnomAD database. This variant has not been reported in the literature in individuals affected with AUTS2-related conditions. ClinVar contains an entry for this variant (Variation ID: 2046711). Advanced modeling of protein sequence and biophysical properties (such as structural, functional, and spatial information, amino acid conservation, physicochemical variation, residue mobility, and thermodynamic stability) performed at Invitae indicates that this missense variant is not expected to disrupt AUTS2 protein function with a negative predictive value of 80%. In summary, the available evidence is currently insufficient to determine the role of this variant in disease. Therefore, it has been classified as a Variant of Uncertain Significance.

Blueprint Genetics
Classification: Uncertain significance. Last evaluated: 2022-03-29. Review status: criteria provided, single submitter. Criteria: ACMG Guidelines, 2015. Collection method: clinical testing. Allele origin: germline.